The following is an entry in ClinVar:

NM_016580.4(PCDH12):c.1099C>T (p.Leu367Phe)

Genes: PCDH12 (protocadherin 12; minus strand), RNF14 (ring finger protein 14; plus strand). Cytogenetic location: 5q31.3.
Variant type: single nucleotide variant.
Coding change: c.1099C>T on transcript NM_016580.4 (MANE Select); coding-DNA position 1099, C replaced by T.
Protein change: p.Leu367Phe; replaces leucine 367 with phenylalanine.
Molecular consequence: missense variant.
Genome position (GRCh38, 1-based): chr5:141,956,753, G>A on the plus strand (C>T on the coding strand, the complement: PCDH12 is on the minus strand). VCF-style: chr5-141956753-G-A. GRCh37 (hg19) VCF-style: chr5-141336318-G-A.
Other names: short protein forms L367F.
Identifiers: ClinVar variation 2081651 (VCV002081651.1), dbSNP rs146763293, ClinGen allele CA3484457.

ClinVar aggregate classification (germline): Uncertain significance (1 of 4 stars; one submission).

Allele frequency attached by ClinVar (database versions not stated): gnomAD 0.00014; ExAC 0.00017; TOPMed 0.00019; ESP Exome Variant Server 0.00031; gnomAD exomes 0.00033.
gnomAD v4.1: 494 of 1,614,136 alleles (0.031%); highest among the groups gnomAD compares: Non-Finnish European, 0.039%; no homozygotes.

Submission:

Labcorp Genetics (formerly Invitae), Labcorp
Classification: Uncertain significance. Last evaluated: 2022-05-05. Review status: criteria provided, single submitter. Criteria: Invitae Variant Classification Sherloc (09022015). Collection method: clinical testing. Allele origin: germline.
Comment: This sequence change replaces leucine, which is neutral and non-polar, with phenylalanine, which is neutral and non-polar, at codon 367 of the PCDH12 protein (p.Leu367Phe). The frequency data for this variant in the population databases is considered unreliable, as metrics indicate poor data quality at this position in the gnomAD database. This variant has not been reported in the literature in individuals affected with PCDH12-related conditions. Advanced modeling of protein sequence and biophysical properties (such as structural, functional, and spatial information, amino acid conservation, physicochemical variation, residue mobility, and thermodynamic stability) performed at Invitae indicates that this missense variant is not expected to disrupt PCDH12 protein function. In summary, the available evidence is currently insufficient to determine the role of this variant in disease. Therefore, it has been classified as a Variant of Uncertain Significance.